The following is an entry in ClinVar:

NM_001081.4(CUBN):c.10397T>A (p.Leu3466Gln)

Gene: CUBN (cubilin; minus strand). Cytogenetic location: 10p13.
Variant type: single nucleotide variant.
Coding change: c.10397T>A on transcript NM_001081.4 (MANE Select); coding-DNA position 10397, T replaced by A.
Protein change: p.Leu3466Gln; replaces leucine 3466 with glutamine.
Molecular consequence: missense variant.
Genome position (GRCh38, 1-based): chr10:16,831,383, A>T on the plus strand (T>A on the coding strand, the complement: CUBN is on the minus strand). VCF-style: chr10-16831383-A-T. GRCh37 (hg19) VCF-style: chr10-16873382-A-T.
Other names: short protein forms L3466Q.
Identifiers: ClinVar variation 2122412 (VCV002122412.4), dbSNP rs148331476, ClinGen allele CA376120700.
Genomic context (GRCh38, chr10:16,831,383, plus strand): 5'-TATAGTTCATTATTTTGAGAGAAGACAGGGTTTGGCAGCAGAGTTCCACAGTACTTGCCC[A>T]GTAATGGTGAATTGCTGTTACTTCCATTTCTCACCTTTAGGAAGGAGTCATTCATTATTA-3'
Protein context (NP_001072.2, residues 3456-3476): RNGSNSNSPL[Leu3466Gln]GKYCGTLLPN

ClinVar aggregate classification (germline): Uncertain significance (1 of 4 stars; one submission).

Conditions:
Imerslund-Grasbeck syndrome. Also called: Megaloblastic anemia due to inborn errors of metabolism; Imerslund-Gräsbeck syndrome; PERNICIOUS ANEMIA, JUVENILE, DUE TO SELECTIVE INTESTINAL MALABSORPTION OF VITAMIN B12, WITH PROTEINURIA; ENTEROCYTE COBALAMIN MALABSORPTION; ENTEROCYTE INTRINSIC FACTOR RECEPTOR, DEFECT OF. Identifiers: Orphanet 35858, MedGen C4551825, MONDO:0009853.

Submission:

Labcorp Genetics (formerly Invitae), Labcorp
Classification: Uncertain significance for Imerslund-Grasbeck syndrome. Last evaluated: 2022-09-06. Review status: criteria provided, single submitter. Criteria: Invitae Variant Classification Sherloc (09022015). Collection method: clinical testing. Allele origin: germline.
Comment: This sequence change replaces leucine, which is neutral and non-polar, with glutamine, which is neutral and polar, at codon 3466 of the CUBN protein (p.Leu3466Gln). This variant is not present in population databases (gnomAD no frequency). This variant has not been reported in the literature in individuals affected with CUBN-related conditions. Algorithms developed to predict the effect of missense changes on protein structure and function are either unavailable or do not agree on the potential impact of this missense change (SIFT: "Deleterious"; PolyPhen-2: "Probably Damaging"; Align-GVGD: "Class C0"). Algorithms developed to predict the effect of sequence changes on RNA splicing suggest that this variant may disrupt the consensus splice site. In summary, the available evidence is currently insufficient to determine the role of this variant in disease. Therefore, it has been classified as a Variant of Uncertain Significance.